The following is an entry in ClinVar:

NM_145046.5(CALR3):c.34T>C (p.Cys12Arg)

Gene: CALR3 (calreticulin 3; minus strand). Cytogenetic location: 19p13.11.
Variant type: single nucleotide variant.
Coding change: c.34T>C on transcript NM_145046.5 (MANE Select); coding-DNA position 34, T replaced by C.
Protein change: p.Cys12Arg; replaces cysteine 12 with arginine.
Molecular consequence: missense variant.
Genome position (GRCh38, 1-based): chr19:16,496,096, A>G on the plus strand (T>C on the coding strand, the complement: CALR3 is on the minus strand). VCF-style: chr19-16496096-A-G. GRCh37 (hg19) VCF-style: chr19-16606907-A-G.
Other names: short protein forms C12R.
Identifiers: ClinVar variation 3484440 (VCV003484440.2).
Genomic context (GRCh38, chr19:16,496,096, plus strand): 5'-CACCTCCGTCTAGAAATTCCTCTTGGAAATAGACGGTAGCCAGCGCCACTCGCAGCATGC[A>G]TATGGCCCAGAGCTGGACCAAAGCCCGGGCCATGGGGGTGTGCACTGCGCTTCCGGTCGC-3'
Protein context (NP_659483.2, residues 2-22): ARALVQLWAI[Cys12Arg]MLRVALATVY

ClinVar aggregate classification (germline): Uncertain significance. Review status: criteria provided, multiple submitters, no conflicts (2 of 4 stars). 2 submissions from 2 submitters: Uncertain significance (2). Last evaluated 2025-02-19.

Conditions:
Hypertrophic cardiomyopathy 19. Also called: Familial hypertrophic cardiomyopathy 19. Identifiers: MedGen CN077603, MONDO:0013476.

gnomAD v4.1: 2 of 1,607,054 alleles (0.00012%); highest among the groups gnomAD compares: Non-Finnish European, 0.00017%; no homozygotes.

Submissions (2):

Labcorp Genetics (formerly Invitae), Labcorp
Classification: Uncertain significance for Hypertrophic cardiomyopathy 19. Last evaluated: 2025-02-19. Review status: criteria provided, single submitter. Criteria: Invitae Variant Classification Sherloc (09022015). Collection method: clinical testing. Allele origin: germline.
Comment: This sequence change replaces cysteine, which is neutral and slightly polar, with arginine, which is basic and polar, at codon 12 of the CALR3 protein (p.Cys12Arg). The frequency data for this variant in the population databases is considered unreliable, as metrics indicate poor data quality at this position in the gnomAD database. This variant has not been reported in the literature in individuals affected with CALR3-related conditions. ClinVar contains an entry for this variant (Variation ID: 3484440). Invitae Evidence Modeling of protein sequence and biophysical properties (such as structural, functional, and spatial information, amino acid conservation, physicochemical variation, residue mobility, and thermodynamic stability) indicates that this missense variant is not expected to disrupt CALR3 protein function with a negative predictive value of 80%. In summary, the available evidence is currently insufficient to determine the role of this variant in disease. Therefore, it has been classified as a Variant of Uncertain Significance.

Ambry Genetics
Classification: Uncertain significance. Last evaluated: 2024-11-25. Review status: criteria provided, single submitter. Criteria: Ambry Variant Classification Scheme 2023. Collection method: clinical testing. Allele origin: germline.